The following is an entry in ClinVar:

ClinVar aggregate classification (germline): Likely benign (0 of 4 stars; one submission).

Conditions:
XIRP2-related disorder. Also called: XIRP2-related condition.

Allele frequency attached by ClinVar (database versions not stated): 1000 Genomes Project 0.00040; 1000 Genomes Project 30x 0.00047; TOPMed 0.00078; gnomAD 0.00083; ExAC 0.00088; gnomAD exomes 0.00108; ESP Exome Variant Server 0.00127.
gnomAD v4.1: 1,677 of 1,613,576 alleles (0.1%); highest among the groups gnomAD compares: Non-Finnish European, 0.13%; 2 homozygotes.

Submission:

PreventionGenetics, part of Exact Sciences
Classification: Likely benign for XIRP2-related condition. Last evaluated: 2019-07-23. Review status: no assertion criteria provided. Collection method: clinical testing. Allele origin: germline.
Comment: This variant is classified as likely benign based on ACMG/AMP sequence variant interpretation guidelines (Richards et al. 2015 PMID: 25741868, with internal and published modifications).

NM_152381.6(XIRP2):c.7548G>A (p.Ala2516=)

Gene: XIRP2 (xin actin binding repeat containing 2; plus strand). Cytogenetic location: 2q24.3.
Variant type: single nucleotide variant.
Coding change: c.7548G>A on transcript NM_152381.6 (MANE Select); coding-DNA position 7548, G replaced by A.
Protein change: p.Ala2516=; no amino-acid change (alanine 2516 retained).
Molecular consequence: synonymous variant. On other transcripts: intron variant (3).
Genome position (GRCh38, 1-based): chr2:167,248,940, G>A. VCF-style: chr2-167248940-G-A. GRCh37 (hg19) VCF-style: chr2-168105450-G-A.
Other names: c.6882G>A, p.Ala2294= (NM_001199144.2); c.1276-5092G>A (NM_001199143.2); c.1177-5092G>A (NM_001079810.4); c.511-5092G>A (NM_001199145.2).
Identifiers: ClinVar variation 3044446 (VCV003044446.2), dbSNP rs191024045, ClinGen allele CA1947643.